The following is an entry in ClinVar:

NM_000426.4(LAMA2):c.5840A>T (p.Asp1947Val)

Gene: LAMA2 (laminin subunit alpha 2; plus strand). Cytogenetic location: 6q22.33.
Variant type: single nucleotide variant.
Coding change: c.5840A>T on transcript NM_000426.4 (MANE Select); coding-DNA position 5840, A replaced by T.
Protein change: p.Asp1947Val; replaces aspartic acid 1947 with valine.
Molecular consequence: missense variant.
Genome position (GRCh38, 1-based): chr6:129,403,934, A>T. VCF-style: chr6-129403934-A-T. GRCh37 (hg19) VCF-style: chr6-129725079-A-T.
Other names: c.5840A>T, p.Asp1947Val (NM_001079823.2); short protein forms D1947V.
Identifiers: ClinVar variation 2118921 (VCV002118921.4), dbSNP rs2533301935, ClinGen allele CA365617471.

ClinVar aggregate classification (germline): Uncertain significance (1 of 4 stars; one submission).

Conditions:
LAMA2-related muscular dystrophy (LAMA2-RD). Also called: Laminin alpha 2-related dystrophy. Identifiers: MedGen C5679788, MONDO:0100228.

Submission:

Labcorp Genetics (formerly Invitae), Labcorp
Classification: Uncertain significance for LAMA2-related muscular dystrophy. Last evaluated: 2026-01-19. Review status: criteria provided, single submitter. Criteria: Invitae Variant Classification Sherloc (09022015). Collection method: clinical testing. Allele origin: germline.
Comment: This sequence change replaces aspartic acid, which is acidic and polar, with valine, which is neutral and non-polar, at codon 1947 of the LAMA2 protein (p.Asp1947Val). This variant is not present in population databases (gnomAD no frequency). This variant has not been reported in the literature in individuals affected with LAMA2-related conditions. ClinVar contains an entry for this variant (Variation ID: 2118921). Invitae Evidence Modeling of protein sequence and biophysical properties (such as structural, functional, and spatial information, amino acid conservation, physicochemical variation, residue mobility, and thermodynamic stability) indicates that this missense variant is not expected to disrupt LAMA2 protein function with a negative predictive value of 95%. In summary, the available evidence is currently insufficient to determine the role of this variant in disease. Therefore, it has been classified as a Variant of Uncertain Significance.